The following is an entry in ClinVar:

ClinVar aggregate classification (germline): Uncertain significance (1 of 4 stars; one submission).

Allele frequency attached by ClinVar (database versions not stated): ExAC 0.00001; gnomAD exomes 0.00001.

Submission:

Labcorp Genetics (formerly Invitae), Labcorp
Classification: Uncertain significance. Last evaluated: 2024-11-13. Review status: criteria provided, single submitter. Criteria: Invitae Variant Classification Sherloc (09022015). Collection method: clinical testing. Allele origin: germline.
Comment: This sequence change replaces arginine, which is basic and polar, with serine, which is neutral and polar, at codon 432 of the MYLK3 protein (p.Arg432Ser). This variant is present in population databases (rs769506600, gnomAD 0.0009%). This variant has not been reported in the literature in individuals affected with MYLK3-related conditions. ClinVar contains an entry for this variant (Variation ID: 2975026). An algorithm developed to predict the effect of missense changes on protein structure and function outputs the following: PolyPhen-2: "Benign". The serine amino acid residue is found in multiple mammalian species, which suggests that this missense change does not adversely affect protein function. In summary, the available evidence is currently insufficient to determine the role of this variant in disease. Therefore, it has been classified as a Variant of Uncertain Significance.

NM_182493.3(MYLK3):c.1296G>C (p.Arg432Ser)

Gene: MYLK3 (myosin light chain kinase 3; minus strand). Cytogenetic location: 16q11.2.
Variant type: single nucleotide variant.
Coding change: c.1296G>C on transcript NM_182493.3 (MANE Select); coding-DNA position 1296, G replaced by C.
Protein change: p.Arg432Ser; replaces arginine 432 with serine.
Molecular consequence: missense variant.
Genome position (GRCh38, 1-based): chr16:46,732,374, C>G on the plus strand (G>C on the coding strand, the complement: MYLK3 is on the minus strand). VCF-style: chr16-46732374-C-G. GRCh37 (hg19) VCF-style: chr16-46766286-C-G.
Other names: c.273G>C, p.Arg91Ser (NM_001308301.1); short protein forms R91S, R432S.
Identifiers: ClinVar variation 2975026 (VCV002975026.3), dbSNP rs769506600, ClinGen allele CA8038026.